The following is an entry in ClinVar:

NM_001018113.3(FANCB):c.463T>C (p.Ser155Pro)

Gene: FANCB (FA complementation group B; minus strand). Cytogenetic location: Xp22.2.
Variant type: single nucleotide variant.
Coding change: c.463T>C on transcript NM_001018113.3 (MANE Select); coding-DNA position 463, T replaced by C.
Protein change: p.Ser155Pro; replaces serine 155 with proline.
Molecular consequence: missense variant.
Genome position (GRCh38, 1-based): chrX:14,865,048, A>G on the plus strand (T>C on the coding strand, the complement: FANCB is on the minus strand). VCF-style: chrX-14865048-A-G. GRCh37 (hg19) VCF-style: chrX-14883170-A-G.
Other names: c.463T>C, p.Ser155Pro (NM_001324162.2, NM_001410764.1, NM_152633.4); short protein forms S155P.
Identifiers: ClinVar variation 2878364 (VCV002878364.3), dbSNP rs2519011673, ClinGen allele CA412444449.

ClinVar aggregate classification (germline): Uncertain significance (1 of 4 stars; one submission).

Conditions:
Fanconi anemia (FA). Also called: Fanconi's anemia. Identifiers: Orphanet 84, MedGen C0015625, MeSH D005199, MONDO:0019391.

Submission:

Labcorp Genetics (formerly Invitae), Labcorp
Classification: Uncertain significance for Fanconi anemia. Last evaluated: 2023-06-05. Review status: criteria provided, single submitter. Criteria: Invitae Variant Classification Sherloc (09022015). Collection method: clinical testing. Allele origin: germline.
Comment: In summary, the available evidence is currently insufficient to determine the role of this variant in disease. Therefore, it has been classified as a Variant of Uncertain Significance. Advanced modeling of protein sequence and biophysical properties (such as structural, functional, and spatial information, amino acid conservation, physicochemical variation, residue mobility, and thermodynamic stability) performed at Invitae indicates that this missense variant is not expected to disrupt FANCB protein function. This variant has not been reported in the literature in individuals affected with FANCB-related conditions. This variant is not present in population databases (gnomAD no frequency). This sequence change replaces serine, which is neutral and polar, with proline, which is neutral and non-polar, at codon 155 of the FANCB protein (p.Ser155Pro).